The following is an entry in ClinVar:

NM_001972.4(ELANE):c.785C>T (p.Pro262Leu)

Gene: ELANE (elastase, neutrophil expressed; plus strand). Cytogenetic location: 19p13.3.
Variant type: single nucleotide variant.
Coding change: c.785C>T on transcript NM_001972.4 (MANE Select); coding-DNA position 785, C replaced by T.
Protein change: p.Pro262Leu; replaces proline 262 with leucine.
Molecular consequence: missense variant.
Genome position (GRCh38, 1-based): chr19:856,145, C>T. VCF-style: chr19-856145-C-T. GRCh37 (hg19) VCF-style: chr19-856145-C-T.
Other names: p.P262L:CCG>CTG; c.785C>T (LRG_57t1); short protein forms P262L.
Identifiers: ClinVar variation 137202 (VCV000137202.38), dbSNP rs17216670, ClinGen allele CA290729.

ClinVar aggregate classification (germline): Benign/Likely benign. Review status: criteria provided, multiple submitters, no conflicts (2 of 4 stars). 11 submissions from 11 submitters: Benign (6); Likely benign (5). Last evaluated 2026-09-01.

Conditions:
Autoinflammatory syndrome. Identifiers: Orphanet 93665, MedGen C3890737, MONDO:0019751.
Cyclical neutropenia. Also called: Cyclic Neutropenia; Cyclic hematopoiesis. Identifiers: Orphanet 2686, MedGen C0221023, MONDO:0008090, OMIM 162800, HP:0040289. Disease mechanism: loss of function.
Neutropenia, severe congenital, 1, autosomal dominant. Identifiers: MedGen C1859966, MONDO:0042490, OMIM 202700.

Allele frequency attached by ClinVar (database versions not stated): gnomAD exomes 0.00113; ExAC 0.00142; ESP Exome Variant Server 0.00400; TOPMed 0.00450; gnomAD 0.00459 and 0.00492; 1000 Genomes Project 0.00539; 1000 Genomes Project 30x 0.00562.
gnomAD v4.1: 1,264 of 1,612,916 alleles (0.078%); highest among the groups gnomAD compares: African/African-American, 1.5%; 10 homozygotes.

Submissions (11):

CeGaT Center for Human Genetics Tuebingen
Classification: Likely benign. Last evaluated: 2026-09-01. Review status: criteria provided, single submitter. Criteria: CeGaT Center For Human Genetics Tuebingen Variant Classification Criteria Version 2. Collection method: clinical testing. Allele origin: germline. Affected: yes. Observed: 1 variant allele.
Comment: ELANE: PM5, BP4, BS1

Labcorp Genetics (formerly Invitae), Labcorp
Classification: Benign for Neutropenia, severe congenital, 1, autosomal dominant; Cyclical neutropenia. Last evaluated: 2026-01-31. Review status: criteria provided, single submitter. Criteria: Invitae Variant Classification Sherloc (09022015). Collection method: clinical testing. Allele origin: germline.

Mayo Clinic Laboratories, Mayo Clinic
Classification: Likely benign. Last evaluated: 2025-01-13. Review status: criteria provided, single submitter. Criteria: ACMG Guidelines, 2015. Collection method: clinical testing. Allele origin: germline. Observed: 4 variant alleles.
Comment: BS1, BP4

Blueprint Genetics
Classification: Benign. Last evaluated: 2024-11-13. Review status: criteria provided, single submitter. Criteria: ACMG Guidelines, 2015. Collection method: clinical testing. Allele origin: germline.

ARUP Laboratories, Molecular Genetics and Genomics, ARUP Laboratories
Classification: Likely benign. Last evaluated: 2024-02-05. Review status: criteria provided, single submitter. Criteria: ARUP Molecular Germline Variant Investigation Process 2024. Collection method: clinical testing. Allele origin: germline.

Genetic Services Laboratory, University of Chicago
Classification: Benign. Last evaluated: 2021-12-01. Review status: criteria provided, single submitter. Criteria: ACMG Guidelines, 2015. Collection method: clinical testing. Allele origin: germline. Affected: no.

Genome Diagnostics Laboratory, The Hospital for Sick Children
Classification: Benign for Autoinflammatory syndrome. Last evaluated: 2021-03-26. Review status: criteria provided, single submitter. Criteria: ACMG Guidelines, 2015. Collection method: clinical testing. Allele origin: germline. Affected: yes.

Eurofins Ntd Llc (ga)
Classification: Benign. Last evaluated: 2016-08-27. Review status: criteria provided, single submitter. Criteria: EGL Classification Definitions 2015. Collection method: clinical testing. Allele origin: germline. Observed: 1 variant allele, 1 heterozygote.

GeneDx
Classification: Benign. Last evaluated: 2013-11-20. Review status: criteria provided, single submitter. Criteria: GeneDx Variant Classification (06012015). Collection method: clinical testing. Allele origin: germline. Affected: yes.
Comment: This variant is considered likely benign or benign based on one or more of the following criteria: it is a conservative change, it occurs at a poorly conserved position in the protein, it is predicted to be benign by multiple in silico algorithms, and/or has population frequency not consistent with disease.

Breakthrough Genomics
Classification: Likely benign. Review status: criteria provided, single submitter. Criteria: ACMG Guidelines, 2015. Collection method: not provided. Allele origin: germline. Inheritance: Autosomal dominant inheritance. Affected: yes.

PreventionGenetics, part of Exact Sciences
Classification: Likely benign. Review status: criteria provided, single submitter. Criteria: ACMG Guidelines, 2015. Collection method: clinical testing. Allele origin: germline.

Literature cited by the submitters: PubMed 14962902 (cited by Mayo Clinic Laboratories, Mayo Clinic).